The following is an entry in ClinVar:

NM_001378328.1(CELSR1):c.8390G>C (p.Cys2797Ser)

Gene: CELSR1 (cadherin EGF LAG seven-pass G-type receptor 1; minus strand). Cytogenetic location: 22q13.31.
Variant type: single nucleotide variant.
Coding change: c.8390G>C on transcript NM_001378328.1 (MANE Select); coding-DNA position 8390, G replaced by C.
Protein change: p.Cys2797Ser; replaces cysteine 2797 with serine.
Molecular consequence: missense variant.
Genome position (GRCh38, 1-based): chr22:46,365,600, C>G on the plus strand (G>C on the coding strand, the complement: CELSR1 is on the minus strand). VCF-style: chr22-46365600-C-G. GRCh37 (hg19) VCF-style: chr22-46761497-C-G.
Other names: c.8390G>C, p.Cys2797Ser (NM_014246.4); short protein forms C2797S.
Identifiers: ClinVar variation 3060193 (VCV003060193.2), dbSNP rs12165943, ClinGen allele CA10292851.
Genomic context (GRCh38, chr22:46,365,600, plus strand): 5'-TGGGAAAAACAACCCACGGGGTCCTCCCCCTCCAGGGAAGCCATACCAGGGGGATCCTTG[C>G]AGCTCCTGGGCATGAGGGACGCGTCTGGCTCTCCGTGGCTGCCCCTCACCAGCCCAGAGG-3'
Protein context (NP_001365257.1, residues 2787-2807): EPDASLMPRS[Cys2797Ser]KDPPGHDSDS

ClinVar aggregate classification (germline): Benign (0 of 4 stars; one submission).

Conditions:
CELSR1-related disorder. Also called: CELSR1-related condition.

Allele frequency attached by ClinVar (database versions not stated): ExAC 0.30431; 1000 Genomes Project 0.30451; 1000 Genomes Project 30x 0.32011; gnomAD 0.34848; TOPMed 0.36502; ESP Exome Variant Server 0.38219.
gnomAD v4.1: 358,310 of 1,590,028 alleles (23%); highest among the groups gnomAD compares: African/African-American, 76%; 53,858 homozygotes.

Submission:

PreventionGenetics, part of Exact Sciences
Classification: Benign for CELSR1-related condition. Last evaluated: 2019-10-24. Review status: no assertion criteria provided. Collection method: clinical testing. Allele origin: germline.
Comment: This variant is classified as benign based on ACMG/AMP sequence variant interpretation guidelines (Richards et al. 2015 PMID: 25741868, with internal and published modifications).